The following is an entry in ClinVar:

NM_000540.3(RYR1):c.4451G>A (p.Ser1484Asn)

Gene: RYR1 (ryanodine receptor 1; plus strand). Cytogenetic location: 19q13.2.
Variant type: single nucleotide variant.
Coding change: c.4451G>A on transcript NM_000540.3 (MANE Select); coding-DNA position 4451, G replaced by A.
Protein change: p.Ser1484Asn; replaces serine 1484 with asparagine.
Molecular consequence: missense variant.
Genome position (GRCh38, 1-based): chr19:38,477,867, G>A. VCF-style: chr19-38477867-G-A. GRCh37 (hg19) VCF-style: chr19-38968507-G-A.
Other names: c.4451G>A, p.Ser1484Asn (NM_001042723.2); c.4451G>A (NM_000540.2); short protein forms S1484N.
Identifiers: ClinVar variation 1384023 (VCV001384023.12), dbSNP rs2145503148, ClinGen allele CA405646396.

ClinVar aggregate classification (germline): Uncertain significance. Review status: criteria provided, multiple submitters, no conflicts (2 of 4 stars). 3 submissions from 3 submitters: Uncertain significance (3). Last evaluated 2026-06-05.

Conditions:
RYR1-related disorder. Also called: RYR1-related condition; RYR1-related disorders. Identifiers: MedGen CN239331.

Submissions (3):

GeneDx
Classification: Uncertain significance. Last evaluated: 2026-06-05. Review status: criteria provided, single submitter. Criteria: GeneDx Variant Classification Process June 2021. Collection method: clinical testing. Allele origin: germline.
Comment: Not observed at significant frequency in large population cohorts (gnomAD); In silico analysis suggests that this missense variant does not alter protein structure/function; Has not been previously published as pathogenic or benign to our knowledge

Labcorp Genetics (formerly Invitae), Labcorp
Classification: Uncertain significance for RYR1-related disorder. Last evaluated: 2022-07-06. Review status: criteria provided, single submitter. Criteria: Invitae Variant Classification Sherloc (09022015). Collection method: clinical testing. Allele origin: germline.
Comment: In summary, the available evidence is currently insufficient to determine the role of this variant in disease. Therefore, it has been classified as a Variant of Uncertain Significance. Advanced modeling of protein sequence and biophysical properties (such as structural, functional, and spatial information, amino acid conservation, physicochemical variation, residue mobility, and thermodynamic stability) performed at Invitae indicates that this missense variant is not expected to disrupt RYR1 protein function. ClinVar contains an entry for this variant (Variation ID: 1384023). This variant has not been reported in the literature in individuals affected with RYR1-related conditions. This variant is not present in population databases (gnomAD no frequency). This sequence change replaces serine, which is neutral and polar, with asparagine, which is neutral and polar, at codon 1484 of the RYR1 protein (p.Ser1484Asn).

Revvity Omics, Revvity
Classification: Uncertain significance. Last evaluated: 2022-06-27. Review status: criteria provided, single submitter. Criteria: ACMG Guidelines, 2015. Collection method: clinical testing. Allele origin: germline.